The following is an entry in ClinVar:

NM_014319.5(LEMD3):c.1610G>A (p.Arg537Gln)

Gene: LEMD3 (LEM domain containing 3; plus strand). Cytogenetic location: 12q14.3.
Variant type: single nucleotide variant.
Coding change: c.1610G>A on transcript NM_014319.5 (MANE Select); coding-DNA position 1610, G replaced by A.
Protein change: p.Arg537Gln; replaces arginine 537 with glutamine.
Molecular consequence: missense variant.
Genome position (GRCh38, 1-based): chr12:65,216,026, G>A. VCF-style: chr12-65216026-G-A. GRCh37 (hg19) VCF-style: chr12-65609806-G-A.
Other names: c.1607G>A, p.Arg536Gln (NM_001167614.2); short protein forms R536Q, R537Q.
Identifiers: ClinVar variation 3624792 (VCV003624792.2).

ClinVar aggregate classification (germline): Uncertain significance (1 of 4 stars; one submission).

gnomAD v4.1: 16 of 1,591,414 alleles (0.001%); highest among the groups gnomAD compares: Non-Finnish European, 0.0012%; no homozygotes.

Submission:

Labcorp Genetics (formerly Invitae), Labcorp
Classification: Uncertain significance. Last evaluated: 2024-08-29. Review status: criteria provided, single submitter. Criteria: Invitae Variant Classification Sherloc (09022015). Collection method: clinical testing. Allele origin: germline.
Comment: This sequence change replaces arginine, which is basic and polar, with glutamine, which is neutral and polar, at codon 537 of the LEMD3 protein (p.Arg537Gln). This variant is present in population databases (rs761447049, gnomAD 0.0009%). This variant has not been reported in the literature in individuals affected with LEMD3-related conditions. Invitae Evidence Modeling of protein sequence and biophysical properties (such as structural, functional, and spatial information, amino acid conservation, physicochemical variation, residue mobility, and thermodynamic stability) indicates that this missense variant is not expected to disrupt LEMD3 protein function with a negative predictive value of 80%. In summary, the available evidence is currently insufficient to determine the role of this variant in disease. Therefore, it has been classified as a Variant of Uncertain Significance.